The following is an entry in ClinVar:

NM_001267550.2(TTN):c.104418_104419del (p.Glu34808fs)

Genes: TTN (titin; minus strand), TTN-AS1 (TTN antisense RNA 1; plus strand). Cytogenetic location: 2q31.2.
Variant type: Deletion.
Coding change: c.104418_104419del on transcript NM_001267550.2 (MANE Select); coding-DNA positions 104418 to 104419, 2 bases deleted (AA; older notation c.104418_104419delAA).
Protein change: p.Glu34808fs; shifts the reading frame from glutamic acid 34808.
Molecular consequence: frameshift variant.
Genome position (GRCh38, 1-based): chr2:178,532,196-178,532,197, TT deleted on the plus strand (AA on the coding strand, the reverse complement: TTN is on the minus strand); deleting any 2 consecutive bases within chr2:178,532,196-178,532,198 gives the same sequence; the c. name uses the placement nearest the transcript's 3' end. VCF-style (leftmost placement, unchanged base first): chr2-178532195-CTT-C. GRCh37 (hg19) VCF-style: chr2-179396922-CTT-C.
Other names: c.99495_99496del, p.Glu33167fs (NM_001256850.1); c.77223_77224del, p.Glu25743fs (NM_003319.4); c.96714_96715del, p.Glu32240fs (NM_133378.4); c.77598_77599del, p.Glu25868fs (NM_133432.3); c.77799_77800del, p.Glu25935fs (NM_133437.4); c.77223_77224delAA (NM_003319.4); short protein forms E25743fs, E25868fs, E25935fs, E32240fs, E33167fs, E34808fs.
Identifiers: ClinVar variation 3223360 (VCV003223360.1), dbSNP rs1181631215, ClinGen allele CA538434979.

ClinVar aggregate classification (germline): Likely pathogenic (1 of 4 stars; one submission).

Conditions:
Cardiovascular phenotype. Identifiers: MedGen CN230736.

Submission:

Ambry Genetics
Classification: Likely pathogenic for Cardiovascular phenotype. Last evaluated: 2023-12-19. Review status: criteria provided, single submitter. Criteria: Ambry Variant Classification Scheme 2023. Collection method: clinical testing. Allele origin: germline.
Comment: The c.77223_77224delAA variant, located in coding exon 185 of the TTN gene, results from a deletion of two nucleotides at nucleotide positions 77223 to 77224, causing a translational frameshift with a predicted alternate stop codon (p.E25743Sfs*8). This exon is located in the M-band region of the N2-B isoform of the titin protein and is constitutively expressed in TTN transcripts (percent spliced in or PSI 100%). This alteration is expected to result in loss of function by premature protein truncation or nonsense-mediated mRNA decay. While truncating variants in TTN are present in 1-3% of the general population, truncating variants in the M-band have been reported in association with autosomal recessive titinopathies, primarily presenting with skeletal myopathy phenotypes (Ceyhan-Birsoy O et al. Neurology. 2013 Oct 1;81(14):1205-14; De Cid R et al. Neurology. 2015;85(24):2126-35). In addition, regardless of their position, TTN truncating variants encoded in constitutive exons (PSI >90%) have been found to be significantly associated with dilated cardiomyopathy (DCM), though truncating variants in the A-band are the most common cause of DCM (Herman DS et al. N. Engl. J. Med., 2012 Feb;366:619-28; Roberts AM et al. Sci Transl Med, 2015 Jan;7:270ra6; Schafer S et al. Nat. Genet., 2017 01;49:46-53). This variant is considered to be rare based on population cohorts in the Genome Aggregation Database (gnomAD). Based on the majority of available evidence to date, this variant is likely to be pathogenic in association with autosomal recessive titinopathy; however, the clinical significance of this alteration with respect to cardiomyopathy remains unclear.